The following is an entry in ClinVar:

ClinVar aggregate classification (germline): Benign. Review status: reviewed by expert panel (3 of 4 stars). 2 submissions from 2 submitters: Benign (1). 1 of the submissions does not count toward it. Last evaluated 2016-09-28.

Conditions:
Breast-ovarian cancer, familial, susceptibility to, 1 (BROVCA1). Also called: BRCA1 Hereditary Breast and Ovarian Cancer; OVARIAN CANCER, SUSCEPTIBILITY TO. Identifiers: Orphanet 145, MedGen C2676676, MONDO:0011450, OMIM 604370. Disease mechanism: loss of function.

Submissions (2):

Evidence-based Network for the Interpretation of Germline Mutant Alleles (ENIGMA)
Classification: Benign for Breast-ovarian cancer, familial, susceptibility to, 1. Last evaluated: 2016-09-28. Review status: reviewed by expert panel. Criteria: ENIGMA BRCA1/2 Classification Criteria (2015). Collection method: curation. Allele origin: germline.
Comment: Class 1 not pathogenic based on frequency >1% in an outbred sampleset. Frequency 0.4006 (European), 0.4554 (African), 0.438 (Admixed American/Latino), 0.3869 (East Asian), 0.4796 (South Asian), derived from 1000 genomes (2013-05-02).

GeneDx
Classification: Benign. Last evaluated: 2019-08-15. Review status: criteria provided, single submitter. Criteria: GeneDx Variant Classification Process June 2021. Collection method: clinical testing. Allele origin: germline. Affected: yes. Not counted in ClinVar's aggregate classification.

NM_007294.4(BRCA1):c.594-650del

Gene: BRCA1 (BRCA1 DNA repair associated; minus strand). Cytogenetic location: 17q21.31.
Variant type: Deletion.
Coding change: c.594-650del on transcript NM_007294.4 (MANE Select); 650 bases into the intron before coding-DNA position 594, one base deleted (T; older notation c.594-650delT).
Molecular consequence: intron variant.
Genome position (GRCh38, 1-based): chr17:43,096,572, A deleted on the plus strand (T on the coding strand, the reverse complement: BRCA1 is on the minus strand); the first of 19 consecutive A bases (chr17:43,096,572-43,096,590); deleting any one gives the same sequence. VCF-style (leftmost placement, unchanged base first): chr17-43096571-CA-C. GRCh37 (hg19) VCF-style: chr17-41248588-CA-C.
Other names: c.453-650del (NM_001408458.1, NM_001408469.1, NM_001408453.1 and 43 more transcripts); c.-218-1712del (NM_001407967.1, NM_001407966.1); c.213-650del (NM_001407959.1, NM_001408510.1, NM_001407963.1 and 1 more transcripts); c.404-1712del (NM_001407931.1, NM_001407932.1, NM_001408503.1 and 5 more transcripts); c.450-650del (NM_001407747.1, NM_001408470.1, NM_001407848.1 and 26 more transcripts); c.210-650del (NM_001407962.1); c.167-1712del (NM_001408512.1, NM_001407965.1); c.384-650del (NM_001407885.1, NM_001407886.1, NM_001407881.1 and 27 more transcripts); and 17 more.
Identifiers: ClinVar variation 264852 (VCV000264852.4), dbSNP rs34226398, ClinGen allele CA10588229.